The following is an entry in ClinVar:

ClinVar aggregate classification (germline): Uncertain significance (1 of 4 stars; one submission).

Submission:

GeneDx
Classification: Uncertain significance. Last evaluated: 2022-07-01. Review status: criteria provided, single submitter. Criteria: GeneDx Variant Classification Process June 2021. Collection method: clinical testing. Allele origin: germline. Affected: yes.
Comment: Not observed at significant frequency in large population cohorts (gnomAD); In silico analysis supports that this missense variant has a deleterious effect on protein structure/function; Has not been previously published as pathogenic or benign to our knowledge

NM_020937.4(FANCM):c.3710G>T (p.Cys1237Phe)

Gene: FANCM (FA complementation group M; plus strand). Cytogenetic location: 14q21.2.
Variant type: single nucleotide variant.
Coding change: c.3710G>T on transcript NM_020937.4 (MANE Select); coding-DNA position 3710, G replaced by T.
Protein change: p.Cys1237Phe; replaces cysteine 1237 with phenylalanine.
Molecular consequence: missense variant.
Genome position (GRCh38, 1-based): chr14:45,176,464, G>T. VCF-style: chr14-45176464-G-T. GRCh37 (hg19) VCF-style: chr14-45645667-G-T.
Other names: c.3632G>T, p.Cys1211Phe (NM_001308133.2); short protein forms C1211F, C1237F.
Identifiers: ClinVar variation 1809992 (VCV001809992.1), dbSNP rs2503193857, ClinGen allele CA389602697.